The following is an entry in ClinVar:

ClinVar aggregate classification (germline): Uncertain significance. Review status: criteria provided, multiple submitters, no conflicts (2 of 4 stars). 2 submissions from 2 submitters: Uncertain significance (2). Last evaluated 2026-01-28.

Conditions:
Familial focal epilepsy with variable foci (FPEVF). Identifiers: Orphanet 98820, MedGen C1858477, MONDO:0020310.

Allele frequency attached by ClinVar (database versions not stated): gnomAD exomes below 0.00001; ExAC 0.00002; TOPMed 0.00003; gnomAD 0.00005.
gnomAD v4.1: 11 of 1,613,506 alleles (0.00068%); highest among the groups gnomAD compares: African/African-American, 0.015%; no homozygotes.

Submissions (2):

Labcorp Genetics (formerly Invitae), Labcorp
Classification: Uncertain significance for Familial focal epilepsy with variable foci. Last evaluated: 2026-01-28. Review status: criteria provided, single submitter. Criteria: Invitae Variant Classification Sherloc (09022015). Collection method: clinical testing. Allele origin: germline.
Comment: This sequence change replaces serine, which is neutral and polar, with glycine, which is neutral and non-polar, at codon 178 of the DEPDC5 protein (p.Ser178Gly). This variant is present in population databases (rs758035240, gnomAD 0.01%). This variant has not been reported in the literature in individuals affected with DEPDC5-related conditions. ClinVar contains an entry for this variant (Variation ID: 953800). Experimental studies and prediction algorithms are not available or were not evaluated, and the functional significance of this variant is currently unknown. In summary, the available evidence is currently insufficient to determine the role of this variant in disease. Therefore, it has been classified as a Variant of Uncertain Significance.

GeneDx
Classification: Uncertain significance. Last evaluated: 2022-12-12. Review status: criteria provided, single submitter. Criteria: GeneDx Variant Classification Process June 2021. Collection method: clinical testing. Allele origin: germline. Affected: yes.
Comment: Not observed at significant frequency in large population cohorts (gnomAD); In silico analysis supports that this missense variant has a deleterious effect on protein structure/function; Has not been previously published as pathogenic or benign to our knowledge

NM_001242896.3(DEPDC5):c.532A>G (p.Ser178Gly)

Gene: DEPDC5 (DEP domain containing 5, GATOR1 subcomplex subunit; plus strand). Cytogenetic location: 22q12.2.
Variant type: single nucleotide variant.
Coding change: c.532A>G on transcript NM_001242896.3 (MANE Select); coding-DNA position 532, A replaced by G.
Protein change: p.Ser178Gly; replaces serine 178 with glycine.
Molecular consequence: missense variant. On other transcripts: non-coding transcript variant (5).
Genome position (GRCh38, 1-based): chr22:31,783,955, A>G. VCF-style: chr22-31783955-A-G. GRCh37 (hg19) VCF-style: chr22-32179941-A-G.
Other names: c.532A>G, p.Ser178Gly (NM_001007188.4, NM_001136029.4, NM_001242897.2 and 7 more transcripts); c.448A>G, p.Ser150Gly (NM_001369901.1, NM_001369902.1); short protein forms S150G, S178G.
Identifiers: ClinVar variation 953800 (VCV000953800.8), dbSNP rs758035240, ClinGen allele CA10196008.